The following is an entry in ClinVar:

NM_002519.3(NPAT):c.2402A>G (p.Tyr801Cys)

Gene: NPAT (nuclear protein, coactivator of histone transcription; minus strand). Cytogenetic location: 11q22.3.
Variant type: single nucleotide variant.
Coding change: c.2402A>G on transcript NM_002519.3 (MANE Select); coding-DNA position 2402, A replaced by G.
Protein change: p.Tyr801Cys; replaces tyrosine 801 with cysteine.
Molecular consequence: missense variant.
Genome position (GRCh38, 1-based): chr11:108,172,582, T>C on the plus strand (A>G on the coding strand, the complement: NPAT is on the minus strand). VCF-style: chr11-108172582-T-C. GRCh37 (hg19) VCF-style: chr11-108043309-T-C.
Other names: c.2402A>G, p.Tyr801Cys (NM_001321307.1); short protein forms Y801C.
Identifiers: ClinVar variation 3222526 (VCV003222526.1), dbSNP rs2496717385, ClinGen allele CA382513059.
Genomic context (GRCh38, chr11:108,172,582, plus strand): 5'-TCTTCAGATTTGAATGTTAAAAGACTCTGTTCCATTGAGGCTGAATCCCCTACTTCGGCA[T>C]ATACAACAGCACCTACAGTTTCTTCTGAAGATAGGCATTTAACTAGTTCTGCATTTTTAG-3'
Protein context (NP_002510.2, residues 791-811): SSEETVGAVV[Tyr801Cys]AEVGDSASME

ClinVar aggregate classification (germline): Uncertain significance (1 of 4 stars; one submission).

Allele frequency attached by ClinVar (database versions not stated): gnomAD exomes below 0.00001.
gnomAD v4.1: 1 of 1,614,224 alleles (0.000062%); highest among the groups gnomAD compares: South Asian, 0.0011%; no homozygotes.

Submission:

Ambry Genetics
Classification: Uncertain significance. Last evaluated: 2024-01-14. Review status: criteria provided, single submitter. Criteria: Ambry Variant Classification Scheme 2023. Collection method: clinical testing. Allele origin: germline.
Comment: The p.Y801C variant (also known as c.2402A>G), located in coding exon 13 of the NPAT gene, results from an A to G substitution at nucleotide position 2402. The tyrosine at codon 801 is replaced by cysteine, an amino acid with highly dissimilar properties. This amino acid position is conserved. In addition, this alteration is predicted to be tolerated by in silico analysis. Since supporting evidence is limited at this time, the clinical significance of this alteration remains unclear.